The following is an entry in ClinVar:

ClinVar aggregate classification (germline): Pathogenic/Likely pathogenic. Review status: criteria provided, multiple submitters, no conflicts (2 of 4 stars). 9 submissions from 8 submitters: Pathogenic (4); Likely pathogenic (1). 4 of the submissions do not count toward it. Last evaluated 2025-12-13.

Conditions:
FIG4-related disorder. Also called: FIG4-related disorders; FIG4-related condition.
Charcot-Marie-Tooth disease type 4. Also called: Charcot-Marie-Tooth disease, type IV; Charcot-Marie-Tooth, Type 4. Identifiers: Orphanet 64749, MedGen C4082197, MONDO:0018995.
Amyotrophic lateral sclerosis (ALS). Also called: Charcot disease; Lou Gehrig disease. Identifiers: Orphanet 803, MedGen C0002736, MONDO:0004976, HP:0007354.
Amyotrophic lateral sclerosis type 11 (ALS11). Identifiers: Orphanet 803, MedGen C2675491, MONDO:0012945, OMIM 612577.
Charcot-Marie-Tooth disease type 4J (CMT4J). Also called: Charcot-Marie-Tooth Neuropathy Type 4J; CHARCOT-MARIE-TOOTH DISEASE, DEMYELINATING, TYPE 4J; CHARCOT-MARIE-TOOTH DISEASE, AUTOSOMAL RECESSIVE, TYPE 4J. Identifiers: Orphanet 139515, MedGen C1970011, MONDO:0012640, OMIM 611228.

Allele frequency attached by ClinVar (database versions not stated): gnomAD 0.00001; TOPMed 0.00002.
gnomAD v4.1: 42 of 1,612,104 alleles (0.0026%); highest among the groups gnomAD compares: Non-Finnish European, 0.0033%; no homozygotes.

Submissions (9):

Labcorp Genetics (formerly Invitae), Labcorp
Classification: Pathogenic for Charcot-Marie-Tooth disease type 4. Last evaluated: 2025-12-13. Review status: criteria provided, single submitter. Criteria: Invitae Variant Classification Sherloc (09022015). Collection method: clinical testing. Allele origin: germline.
Comment: This sequence change creates a premature translational stop signal (p.Arg183*) in the FIG4 gene. It is expected to result in an absent or disrupted protein product. Loss-of-function variants in FIG4 are known to be pathogenic (PMID: 23623387, 30740813). This variant is present in population databases (rs121908288, gnomAD 0.005%). This premature translational stop signal has been observed in individual(s) with Charcot-Marie-Tooth disease, type 4 (PMID: 17572665). This variant is also known as c.718C>T. ClinVar contains an entry for this variant (Variation ID: 1723). For these reasons, this variant has been classified as Pathogenic.

Variantyx, Inc.
Classification: Pathogenic for Charcot-Marie-Tooth disease type 4J. Last evaluated: 2025-03-07. Review status: criteria provided, single submitter. Criteria: Variantyx Assertion Criteria 2022. Collection method: clinical testing. Allele origin: germline.
Comment: This is a nonsense variant in the FIG4 gene (OMIM: 609390). Pathogenic variants in this gene have been associated with autosomal recessive Charcot-Marie-Tooth disease type 4J. This variant introduces a premature termination codon in exon 6 out of 23. It is expected to result in loss of function, which is a known disease mechanism for FIG4 in this disorder (PMID: 23623387) (PVS1). This variant has been identified in the homozygous or compound heterozygous state in at least 2 individuals from the published literature (PMID: 17572665) (PM3_Strong). This variant has a 0.0033% maximum allele frequency in non-founder control populations (PM2_Supporting). Based on the current evidence, this variant is classified as pathogenic for autosomal recessive Charcot-Marie-Tooth disease type 4J.

Women's Health and Genetics/Laboratory Corporation of America, LabCorp
Classification: Pathogenic for Charcot-Marie-Tooth disease type 4J. Last evaluated: 2024-04-15. Review status: criteria provided, single submitter. Criteria: LabCorp Variant Classification Summary - May 2015. Collection method: clinical testing. Allele origin: germline.
Comment: Variant summary: FIG4 c.547C>T (p.Arg183X) results in a premature termination codon, predicted to cause a truncation of the encoded protein or absence of the protein due to nonsense mediated decay, which are commonly known mechanisms for disease. The variant allele was found at a frequency of 2.8e-05 in 250950 control chromosomes (gnomAD). c.547C>T has been reported in the literature in individuals affected with Charcot-Marie Disease Type 4J (example: Chow_2007). The following publication has been ascertained in the context of this evaluation (PMID: 17572665). ClinVar contains an entry for this variant (Variation ID: 1723). Based on the evidence outlined above, the variant was classified as pathogenic.

Suna and Inan Kirac Foundation Neurodegeneration Research Laboratory, Koc University
Classification: Likely pathogenic for Amyotrophic lateral sclerosis. Last evaluated: 2020-03-31. Review status: criteria provided, single submitter. Criteria: ACMG Guidelines, 2015. Collection method: research. Allele origin: germline. Affected: yes. Observed: 1 variant allele.

GeneDx
Classification: Pathogenic. Last evaluated: 2015-06-17. Review status: criteria provided, single submitter. Criteria: GeneDx Variant Classification (06012015). Collection method: clinical testing. Allele origin: germline. Affected: yes.
Comment: The R183X nonsense variant in the FIG4 gene has been reported previously in association with CMT4J (Chow et al., 2007). Heterozygosity for the R183X mutation is also reported to be a risk factor for developing amyotrophic lateral sclerosis (ALS) (Chow et al., 2009). This variant is predicted to cause loss of normal protein function either through protein truncation or nonsense-mediated mRNA decay.

PreventionGenetics, part of Exact Sciences
Classification: Pathogenic for FIG4-related condition. Last evaluated: 2024-01-03. Review status: no assertion criteria provided. Collection method: clinical testing. Allele origin: germline. Not counted in ClinVar's aggregate classification.
Comment: The FIG4 c.547C>T variant is predicted to result in premature protein termination (p.Arg183*). This variant has been reported in the compound heterozygous state in siblings with Charcot-Marie-Tooth disease type 4J (Fig. 4b, Chow et al. 2007. PubMed ID: 17572665). It has also been reported in an individual with amyotrophic lateral sclerosis (Table A5, Tunca et al. 2020. PubMed ID: 32579787). This variant is reported in 0.0044% of alleles in individuals of European (Non-Finnish) descent in gnomAD. Nonsense variants in FIG4 are expected to be pathogenic. This variant is interpreted as pathogenic for autosomal recessive Charcot-Marie-Tooth disease type 4J.

Inherited Neuropathy Consortium Ii, University Of Miami
Classification: Uncertain significance for Charcot-Marie-Tooth disease type 4J. Last evaluated: 2016-01-06. Review status: no assertion criteria provided. Collection method: literature only. Allele origin: germline. Affected: yes. Not counted in ClinVar's aggregate classification.

OMIM
Classification: Pathogenic for AMYOTROPHIC LATERAL SCLEROSIS 11. Last evaluated: 2009-01-01. Review status: no assertion criteria provided. Collection method: literature only. Allele origin: germline. Not counted in ClinVar's aggregate classification.

OMIM
Classification: Pathogenic for CHARCOT-MARIE-TOOTH DISEASE, DEMYELINATING, TYPE 4J. Last evaluated: 2007-07-05. Review status: no assertion criteria provided. Collection method: literature only. Allele origin: germline. Not counted in ClinVar's aggregate classification.

Literature cited by the submitters: PubMed 23623387 (cited by Labcorp Genetics (formerly Invitae), Labcorp); PubMed 30740813 (cited by Labcorp Genetics (formerly Invitae), Labcorp); PubMed 17572665 (cited by 4 submitters); PubMed 19118816 (cited by OMIM).

NM_014845.6(FIG4):c.547C>T (p.Arg183Ter)

Gene: FIG4 (FIG4 phosphoinositide 5-phosphatase; plus strand). Cytogenetic location: 6q21.
Variant type: single nucleotide variant.
Coding change: c.547C>T on transcript NM_014845.6 (MANE Select); coding-DNA position 547, C replaced by T.
Protein change: p.Arg183Ter; replaces arginine 183 with a stop codon.
Molecular consequence: nonsense.
Genome position (GRCh38, 1-based): chr6:109,735,199, C>T. VCF-style: chr6-109735199-C-T. GRCh37 (hg19) VCF-style: chr6-110056402-C-T.
Other names: short protein forms R183*.
Identifiers: ClinVar variation 1723 (VCV000001723.15), dbSNP rs121908288, ClinGen allele CA251931.
Genomic context (GRCh38, chr6:109,735,199, plus strand): 5'-TCTGTTCTCAGTTACAGCTATGATTTGTCCCACTCACTTCAATATAATCTCACTGTCTTG[C>T]GAATGCCCCTGGAGATGTTAAAGTCAGAAATGACCCAGAATCGCCAAGAGAGCTTTGACA-3'